The following is an entry in ClinVar:

NC_000016.9:g.(?_14645858)_(14711527_?)del

Gene: PARN (poly(A)-specific ribonuclease; minus strand). Cytogenetic location: 16p13.12.
Variant type: Deletion.
Identifiers: ClinVar variation 1455611 (VCV001455611.11).

ClinVar aggregate classification (germline): Pathogenic (1 of 4 stars; one submission).

Conditions:
Pulmonary fibrosis and/or bone marrow failure, Telomere-related, 4. Also called: PULMONARY FIBROSIS AND/OR BONE MARROW FAILURE SYNDROME, TELOMERE-RELATED, 4. Identifiers: Orphanet 2032, MedGen C4225347, MONDO:0014612, OMIM 616371.
Dyskeratosis congenita, autosomal recessive 6 (DKCB6). Identifiers: MedGen C4225356, MONDO:0014600, OMIM 616353.

Submission:

Labcorp Genetics (formerly Invitae), Labcorp
Classification: Pathogenic for Dyskeratosis congenita, autosomal recessive 6; Pulmonary fibrosis and/or bone marrow failure, Telomere-related, 4. Last evaluated: 2022-01-27. Review status: criteria provided, single submitter. Criteria: Invitae Variant Classification Sherloc (09022015). Collection method: clinical testing. Allele origin: germline.
Comment: This variant has not been reported in the literature in individuals affected with PARN-related conditions. This variant is a gross deletion of the genomic region encompassing exon(s) 6-21 of the PARN gene. This deletion is out-of-frame, and is expected to create a premature termination codon and result in an absent or disrupted protein product. Loss-of-function variants in PARN are known to be pathogenic (PMID: 9736620, 25848748, 26810774). For these reasons, this variant has been classified as Pathogenic.

Literature cited by the submitters: PubMed 9736620; PubMed 25848748; PubMed 26810774.